The following is an entry in ClinVar:

NM_004304.5(ALK):c.2275G>A (p.Val759Met)

Gene: ALK (ALK receptor tyrosine kinase; minus strand). Cytogenetic location: 2p23.2.
Variant type: single nucleotide variant.
Coding change: c.2275G>A on transcript NM_004304.5 (MANE Select); coding-DNA position 2275, G replaced by A.
Protein change: p.Val759Met; replaces valine 759 with methionine.
Molecular consequence: missense variant.
Genome position (GRCh38, 1-based): chr2:29,239,760, C>T on the plus strand (G>A on the coding strand, the complement: ALK is on the minus strand). VCF-style: chr2-29239760-C-T. GRCh37 (hg19) VCF-style: chr2-29462626-C-T.
Other names: short protein forms V759M.
Identifiers: ClinVar variation 538197 (VCV000538197.17), dbSNP rs199691702, ClinGen allele CA1594370.
Genomic context (GRCh38, chr2:29,239,760, plus strand): 5'-CCTGCTGCCCAACCAGGATGTACAGCATGTCATCCTTCTCCAGGTTGAAGATGCCCAGCA[C>T]AGACACGCCGTGGGACCGCATCATGGTGTTCTTCCCGCCTTTCCCGCCAGCAGCTCCGTA-3'
Protein context (NP_004295.2, residues 749-769): NTMMRSHGVS[Val759Met]LGIFNLEKDD

ClinVar aggregate classification (germline): Conflicting classifications of pathogenicity. Review status: criteria provided, conflicting classifications (1 of 4 stars). 5 submissions from 5 submitters: Uncertain significance (4); Likely benign (1). Last evaluated 2025-12-10.

Conditions:
Hereditary cancer-predisposing syndrome. Also called: Neoplastic Syndromes, Hereditary; Hereditary Cancer Syndrome; Tumor predisposition; Hereditary neoplastic syndrome. Identifiers: Orphanet 140162, MedGen C0027672, MeSH D009386, MONDO:0015356.
Neuroblastoma, susceptibility to, 3. Also called: ALK-Related Neuroblastic Tumor Susceptibility. Identifiers: Orphanet 635, MedGen C2751681, MONDO:0013083, OMIM 613014.

Allele frequency attached by ClinVar (database versions not stated): 1000 Genomes Project 30x 0.00031; gnomAD exomes 0.00004 and 0.00005; gnomAD 0.00008 and 0.00007; TOPMed 0.00023; ExAC 0.00003; 1000 Genomes Project 0.00020.
gnomAD v4.1: 40 of 1,614,102 alleles (0.0025%); highest among the groups gnomAD compares: Admixed American, 0.05%; no homozygotes.

Submissions (5):

Labcorp Genetics (formerly Invitae), Labcorp
Classification: Uncertain significance for Neuroblastoma, susceptibility to, 3. Last evaluated: 2025-12-10. Review status: criteria provided, single submitter. Criteria: Invitae Variant Classification Sherloc (09022015). Collection method: clinical testing. Allele origin: germline.
Comment: This sequence change replaces valine, which is neutral and non-polar, with methionine, which is neutral and non-polar, at codon 759 of the ALK protein (p.Val759Met). This variant is present in population databases (rs199691702, gnomAD 0.04%). This variant has not been reported in the literature in individuals affected with ALK-related conditions. ClinVar contains an entry for this variant (Variation ID: 538197). An algorithm developed to predict the effect of missense changes on protein structure and function (PolyPhen-2) suggests that this variant is likely to be disruptive. In summary, the available evidence is currently insufficient to determine the role of this variant in disease. Therefore, it has been classified as a Variant of Uncertain Significance.

Baylor Genetics
Classification: Uncertain significance for Neuroblastoma, susceptibility to, 3. Last evaluated: 2024-03-17. Review status: criteria provided, single submitter. Criteria: ACMG Guidelines, 2015. Collection method: clinical testing. Allele origin: unknown.

GeneDx
Classification: Uncertain significance. Last evaluated: 2024-01-26. Review status: criteria provided, single submitter. Criteria: GeneDx Variant Classification Process June 2021. Collection method: clinical testing. Allele origin: germline.
Comment: In silico analysis supports that this missense variant does not alter protein structure/function; Has not been previously published as pathogenic or benign to our knowledge

Ambry Genetics
Classification: Likely benign for Hereditary cancer-predisposing syndrome. Last evaluated: 2022-01-08. Review status: criteria provided, single submitter. Criteria: Ambry Variant Classification Scheme 2023. Collection method: clinical testing. Allele origin: germline.

Breakthrough Genomics
Classification: Uncertain significance. Review status: criteria provided, single submitter. Criteria: ACMG Guidelines, 2015. Collection method: not provided. Allele origin: germline. Inheritance: Unknown mechanism. Affected: yes.